The following is an entry in ClinVar:

NM_001379403.1(WDR26):c.375C>T (p.Gly125=)

Gene: WDR26 (WD repeat domain 26; minus strand). Cytogenetic location: 1q42.12.
Variant type: single nucleotide variant.
Coding change: c.375C>T on transcript NM_001379403.1 (MANE Select); coding-DNA position 375, C replaced by T.
Protein change: p.Gly125=; no amino-acid change (glycine 125 retained).
Molecular consequence: synonymous variant.
Genome position (GRCh38, 1-based): chr1:224,434,031, G>A on the plus strand (C>T on the coding strand, the complement: WDR26 is on the minus strand). VCF-style: chr1-224434031-G-A. GRCh37 (hg19) VCF-style: chr1-224621733-G-A.
Other names: c.75C>T, p.Gly25= (NM_001115113.3, NM_025160.7); c.75C>T (NM_025160.6).
Identifiers: ClinVar variation 4084004 (VCV004084004.10).

ClinVar aggregate classification (germline): Likely benign. Review status: criteria provided, multiple submitters, no conflicts (2 of 4 stars). 3 submissions from 3 submitters: Likely benign (3). Last evaluated 2026-07-07.

Conditions:
WDR26-related disorder. Also called: WDR26-related condition.

gnomAD v4.1: 732 of 1,466,136 alleles (0.05%); highest among the groups gnomAD compares: Non-Finnish European, 0.062%; no homozygotes.

Submissions (3):

PreventionGenetics, part of Exact Sciences
Classification: Likely benign for WDR26-related condition. Last evaluated: 2026-07-07. Review status: criteria provided, single submitter. Criteria: ACMG Guidelines, 2015. Collection method: clinical testing. Allele origin: germline.
Comment: This variant is classified as likely benign based on ACMG/AMP sequence variant interpretation guidelines (Richards et al. 2015 PMID: 25741868, with internal and published modifications).

CeGaT Center for Human Genetics Tuebingen
Classification: Likely benign. Last evaluated: 2025-07-01. Review status: criteria provided, single submitter. Criteria: CeGaT Center For Human Genetics Tuebingen Variant Classification Criteria Version 2. Collection method: clinical testing. Allele origin: germline. Affected: yes. Observed: 1 variant allele.
Comment: WDR26: BP4, BP7

Blueprint Genetics
Classification: Likely benign. Last evaluated: 2024-09-06. Review status: criteria provided, single submitter. Criteria: ACMG Guidelines, 2015. Collection method: clinical testing. Allele origin: germline.